The following is an entry in ClinVar:

ClinVar aggregate classification (germline): Benign/Likely benign. Review status: criteria provided, multiple submitters, no conflicts (2 of 4 stars). 8 submissions from 8 submitters: Benign (3); Likely benign (5). Last evaluated 2026-03-01.

Conditions:
Inborn genetic diseases. Identifiers: MedGen C0950123, MeSH D030342.
Dyskeratosis congenita. Identifiers: Orphanet 1775, MedGen C0265965, MONDO:0015780.
Dyskeratosis congenita, autosomal recessive 5 (DKCB5). Identifiers: MedGen C3554656, MONDO:0014076, OMIM 615190.
Pulmonary fibrosis and/or bone marrow failure, Telomere-related, 3. Also called: PULMONARY FIBROSIS AND/OR BONE MARROW FAILURE SYNDROME, TELOMERE-RELATED, 3. Identifiers: Orphanet 2032, MedGen C4225346, MONDO:0014613, OMIM 616373.

Allele frequency attached by ClinVar (database versions not stated): 1000 Genomes Project 30x 0.00141; 1000 Genomes Project 0.00160; gnomAD 0.00346 and 0.00353; gnomAD exomes 0.00353 and 0.00582; TOPMed 0.00372; ExAC 0.00448; ESP Exome Variant Server 0.00554.

Submissions (8):

CeGaT Center for Human Genetics Tuebingen
Classification: Likely benign. Last evaluated: 2026-03-01. Review status: criteria provided, single submitter. Criteria: CeGaT Center For Human Genetics Tuebingen Variant Classification Criteria Version 2. Collection method: clinical testing. Allele origin: germline. Affected: yes. Observed: 15 variant alleles.
Comment: RTEL1: BP4, BP7, BS2

Labcorp Genetics (formerly Invitae), Labcorp
Classification: Benign for Dyskeratosis congenita, autosomal recessive 5; Pulmonary fibrosis and/or bone marrow failure, Telomere-related, 3. Last evaluated: 2026-02-02. Review status: criteria provided, single submitter. Criteria: Invitae Variant Classification Sherloc (09022015). Collection method: clinical testing. Allele origin: germline.

ARUP Laboratories, Molecular Genetics and Genomics, ARUP Laboratories
Classification: Benign. Last evaluated: 2025-07-21. Review status: criteria provided, single submitter. Criteria: ARUP Molecular Germline Variant Investigation Process 2024. Collection method: clinical testing. Allele origin: germline.

Mayo Clinic Laboratories, Mayo Clinic
Classification: Benign. Last evaluated: 2024-09-10. Review status: criteria provided, single submitter. Criteria: ACMG Guidelines, 2015. Collection method: clinical testing. Allele origin: germline. Observed: 16 variant alleles.
Comment: BS1, BS2, BP4, BP7

Ambry Genetics
Classification: Likely benign for Inborn genetic diseases. Last evaluated: 2022-03-07. Review status: criteria provided, single submitter. Criteria: Ambry Variant Classification Scheme 2023. Collection method: clinical testing. Allele origin: germline.

GeneDx
Classification: Likely benign. Last evaluated: 2021-03-30. Review status: criteria provided, single submitter. Criteria: GeneDx Variant Classification Process June 2021. Collection method: clinical testing. Allele origin: germline. Affected: yes.

Sema4
Classification: Likely benign for Dyskeratosis congenita. Last evaluated: 2021-02-13. Review status: criteria provided, single submitter. Criteria: Sema4 Curation Guidelines. Collection method: curation. Allele origin: germline.

Breakthrough Genomics
Classification: Likely benign. Review status: criteria provided, single submitter. Criteria: ACMG Guidelines, 2015. Collection method: not provided. Allele origin: germline. Inheritance: Autosomal recessive inheritance. Affected: yes.

NM_001283009.2(RTEL1):c.1017C>T (p.Ser339=)

Genes: RTEL1 (regulator of telomere elongation helicase 1; plus strand), RTEL1-TNFRSF6B (RTEL1-TNFRSF6B readthrough (NMD candidate); plus strand). Cytogenetic location: 20q13.33.
Variant type: single nucleotide variant.
Coding change: c.1017C>T on transcript NM_001283009.2 (MANE Select); coding-DNA position 1017, C replaced by T.
Protein change: p.Ser339=; no amino-acid change (serine 339 retained).
Molecular consequence: synonymous variant. On other transcripts: non-coding transcript variant (1).
Genome position (GRCh38, 1-based): chr20:63,678,326, C>T. VCF-style: chr20-63678326-C-T. GRCh37 (hg19) VCF-style: chr20-62309679-C-T.
Other names: p.Ser363=; c.348C>T, p.Ser116= (NM_001283010.1); c.1017C>T, p.Ser339= (NM_016434.4); c.1089C>T, p.Ser363= (NM_032957.5).
Identifiers: ClinVar variation 473901 (VCV000473901.53), dbSNP rs35877957, ClinGen allele CA9964561.